The following is an entry in ClinVar:

NM_001134831.2(AHI1):c.2743C>T (p.Leu915=)

Gene: AHI1 (Abelson helper integration site 1; minus strand). Cytogenetic location: 6q23.3.
Variant type: single nucleotide variant.
Coding change: c.2743C>T on transcript NM_001134831.2 (MANE Select); coding-DNA position 2743, C replaced by T.
Protein change: p.Leu915=; no amino-acid change (leucine 915 retained).
Molecular consequence: synonymous variant.
Genome position (GRCh38, 1-based): chr6:135,427,188, G>A on the plus strand (C>T on the coding strand, the complement: AHI1 is on the minus strand). VCF-style: chr6-135427188-G-A. GRCh37 (hg19) VCF-style: chr6-135748326-G-A.
Other names: c.2743C>T, p.Leu915= (NM_001134830.2, NM_001134832.2, NM_001350503.2 and 2 more transcripts); c.2743C>T (NM_017651.4).
Identifiers: ClinVar variation 1139922 (VCV001139922.12), dbSNP rs201022062, ClinGen allele CA4012289.

ClinVar aggregate classification (germline): Likely benign. Review status: criteria provided, multiple submitters, no conflicts (2 of 4 stars). 4 submissions from 4 submitters: Likely benign (4). Last evaluated 2026-03-31.

Conditions:
Inborn genetic diseases. Identifiers: MedGen C0950123, MeSH D030342.
Joubert syndrome. Also called: Familial aplasia of the vermis; JOUBERT-BOLTSHAUSER SYNDROME. Identifiers: Orphanet 475, MedGen C5979921, MONDO:0018772.
AHI1-related disorder. Also called: AHI1-related condition.

Allele frequency attached by ClinVar (database versions not stated): ExAC 0.00002; gnomAD exomes 0.00002; TOPMed 0.00002.
gnomAD v4.1: 26 of 1,610,178 alleles (0.0016%); highest among the groups gnomAD compares: Admixed American, 0.0033%; no homozygotes.

Submissions (4):

PreventionGenetics, part of Exact Sciences
Classification: Likely benign for AHI1-related condition. Last evaluated: 2026-03-31. Review status: criteria provided, single submitter. Criteria: ACMG Guidelines, 2015. Collection method: clinical testing. Allele origin: germline.
Comment: This variant is classified as likely benign based on ACMG/AMP sequence variant interpretation guidelines (Richards et al. 2015 PMID: 25741868, with internal and published modifications).

Labcorp Genetics (formerly Invitae), Labcorp
Classification: Likely benign for Joubert syndrome. Last evaluated: 2026-01-19. Review status: criteria provided, single submitter. Criteria: Invitae Variant Classification Sherloc (09022015). Collection method: clinical testing. Allele origin: germline.

Ambry Genetics
Classification: Likely benign for Inborn genetic diseases. Last evaluated: 2025-02-08. Review status: criteria provided, single submitter. Criteria: Ambry Variant Classification Scheme 2023. Collection method: clinical testing. Allele origin: germline.

Blueprint Genetics
Classification: Likely benign. Last evaluated: 2024-11-07. Review status: criteria provided, single submitter. Criteria: ACMG Guidelines, 2015. Collection method: clinical testing. Allele origin: germline.